The following is an entry in ClinVar:

NM_006767.4(LZTR1):c.139C>G (p.Pro47Ala)

Gene: LZTR1 (leucine zipper like post translational regulator 1; plus strand). Cytogenetic location: 22q11.21.
Variant type: single nucleotide variant.
Coding change: c.139C>G on transcript NM_006767.4 (MANE Select); coding-DNA position 139, C replaced by G.
Protein change: p.Pro47Ala; replaces proline 47 with alanine.
Molecular consequence: missense variant.
Genome position (GRCh38, 1-based): chr22:20,982,510, C>G. VCF-style: chr22-20982510-C-G. GRCh37 (hg19) VCF-style: chr22-21336799-C-G.
Other names: short protein forms P47A.
Identifiers: ClinVar variation 4615642 (VCV004615642.1).

ClinVar aggregate classification (germline): Uncertain significance (1 of 4 stars; one submission).

Conditions:
Cardiovascular phenotype. Identifiers: MedGen CN230736.
Hereditary cancer-predisposing syndrome. Also called: Neoplastic Syndromes, Hereditary; Tumor predisposition; Hereditary Cancer Syndrome; Hereditary neoplastic syndrome. Identifiers: Orphanet 140162, MedGen C0027672, MeSH D009386, MONDO:0015356.

Submission:

Ambry Genetics
Classification: Uncertain significance for Cardiovascular phenotype; Hereditary cancer-predisposing syndrome. Last evaluated: 2025-10-28. Review status: criteria provided, single submitter. Criteria: Ambry Variant Classification Scheme 2023. Collection method: clinical testing. Allele origin: germline.
Comment: The p.P47A variant (also known as c.139C>G), located in coding exon 1 of the LZTR1 gene, results from a C to G substitution at nucleotide position 139. The proline at codon 47 is replaced by alanine, an amino acid with highly similar properties. This amino acid position is conserved. In addition, this alteration is predicted to be tolerated by in silico analysis. Based on the available evidence, the clinical significance of this variant remains unclear.